The following is an entry in ClinVar:

ClinVar aggregate classification (germline): Uncertain significance. Review status: criteria provided, multiple submitters, no conflicts (2 of 4 stars). 3 submissions from 3 submitters: Uncertain significance (2). 1 of the submissions does not count toward it. Last evaluated 2025-05-02.

Conditions:
Renal cell carcinoma. Identifiers: Orphanet 217071, MedGen C0007134, MeSH D002292, MONDO:0005086, HP:0005584.
Hereditary cancer-predisposing syndrome. Also called: Tumor predisposition; Hereditary Cancer Syndrome; Hereditary neoplastic syndrome; Neoplastic Syndromes, Hereditary. Identifiers: Orphanet 140162, MedGen C0027672, MeSH D009386, MONDO:0015356.
Papillary renal cell carcinoma type 1 (RCCP1). Also called: RENAL CELL CARCINOMA, PAPILLARY, 1, SOMATIC; Renal adenocarcinoma; Renal cell carcinoma 1; Renal cell carcinoma, somatic. Identifiers: Orphanet 47044, MedGen C1336839, OMIM 605074, HP:0011797.

gnomAD v4.1: 2 of 1,614,240 alleles (0.00012%); highest among the groups gnomAD compares: Non-Finnish European, 0.00017%; no homozygotes.

Submissions (3):

Ambry Genetics
Classification: Uncertain significance for Hereditary cancer-predisposing syndrome. Last evaluated: 2025-05-02. Review status: criteria provided, single submitter. Criteria: Ambry Variant Classification Scheme 2023. Collection method: clinical testing. Allele origin: germline.
Comment: The p.Q1085L variant (also known as c.3254A>T), located in coding exon 14 of the MET gene, results from an A to T substitution at nucleotide position 3254. The glutamine at codon 1085 is replaced by leucine, an amino acid with dissimilar properties. This amino acid position is conserved. In addition, the in silico prediction for this alteration is inconclusive. Based on the available evidence, the clinical significance of this variant remains unclear.

Labcorp Genetics (formerly Invitae), Labcorp
Classification: Uncertain significance for Renal cell carcinoma. Last evaluated: 2024-07-24. Review status: criteria provided, single submitter. Criteria: Invitae Variant Classification Sherloc (09022015). Collection method: clinical testing. Allele origin: germline.
Comment: This sequence change replaces glutamine, which is neutral and polar, with leucine, which is neutral and non-polar, at codon 1085 of the MET protein (p.Gln1085Leu). This variant is not present in population databases (gnomAD no frequency). This variant has not been reported in the literature in individuals affected with MET-related conditions. ClinVar contains an entry for this variant (Variation ID: 488348). Advanced modeling of protein sequence and biophysical properties (such as structural, functional, and spatial information, amino acid conservation, physicochemical variation, residue mobility, and thermodynamic stability) performed at Invitae indicates that this missense variant is expected to disrupt MET protein function with a positive predictive value of 80%. In summary, the available evidence is currently insufficient to determine the role of this variant in disease. Therefore, it has been classified as a Variant of Uncertain Significance.

Institute of Human Genetics, Cologne University
Classification: Uncertain significance for Papillary renal cell carcinoma type 1. Review status: no assertion criteria provided. Collection method: clinical testing. Allele origin: unknown. Affected: yes. Observed: 1 variant allele, 1 heterozygote. Not counted in ClinVar's aggregate classification.

NM_000245.4(MET):c.3200A>T (p.Gln1067Leu)

Gene: MET (MET proto-oncogene, receptor tyrosine kinase; plus strand). Cytogenetic location: 7q31.2.
Variant type: single nucleotide variant.
Coding change: c.3200A>T on transcript NM_000245.4 (MANE Select); coding-DNA position 3200, A replaced by T.
Protein change: p.Gln1067Leu; replaces glutamine 1067 with leucine.
Molecular consequence: missense variant.
Genome position (GRCh38, 1-based): chr7:116,775,052, A>T. VCF-style: chr7-116775052-A-T. GRCh37 (hg19) VCF-style: chr7-116415106-A-T.
Other names: c.3254A>T (LRG_662t1); c.3254A>T, p.Gln1085Leu (NM_001127500.3); c.1910A>T, p.Gln637Leu (NM_001324402.2); short protein forms Q1085L, Q1067L, Q637L.
Identifiers: ClinVar variation 488348 (VCV000488348.6), dbSNP rs1554398900, ClinGen allele CA368988614.